The following is an entry in ClinVar:

ClinVar aggregate classification (germline): Uncertain significance. Review status: criteria provided, multiple submitters, no conflicts (2 of 4 stars). 2 submissions from 2 submitters: Uncertain significance (2). Last evaluated 2025-02-01.

Conditions:
Inborn genetic diseases. Identifiers: MedGen C0950123, MeSH D030342.
Immunodeficiency 67. Also called: Immunodeficiency due to interleukin-1 receptor-associated kinase-4 deficiency. Identifiers: Orphanet 70592, MedGen C1843256, MONDO:0011888, OMIM 607676.

Allele frequency attached by ClinVar (database versions not stated): 1000 Genomes Project 0.00020; 1000 Genomes Project 30x 0.00031.
gnomAD v4.1: 13 of 1,613,530 alleles (0.00081%); highest among the groups gnomAD compares: African/African-American, 0.015%; no homozygotes.

Submissions (2):

Ambry Genetics
Classification: Uncertain significance for Inborn genetic diseases. Last evaluated: 2025-02-01. Review status: criteria provided, single submitter. Criteria: Ambry Variant Classification Scheme 2023. Collection method: clinical testing. Allele origin: germline.

Labcorp Genetics (formerly Invitae), Labcorp
Classification: Uncertain significance for Immunodeficiency 67. Last evaluated: 2022-01-18. Review status: criteria provided, single submitter. Criteria: Invitae Variant Classification Sherloc (09022015). Collection method: clinical testing. Allele origin: germline.
Comment: This sequence change replaces isoleucine, which is neutral and non-polar, with asparagine, which is neutral and polar, at codon 447 of the IRAK4 protein (p.Ile447Asn). This variant is present in population databases (rs569421834, gnomAD 0.02%). This variant has not been reported in the literature in individuals affected with IRAK4-related conditions. Algorithms developed to predict the effect of missense changes on protein structure and function (SIFT, PolyPhen-2, Align-GVGD) all suggest that this variant is likely to be tolerated. In summary, the available evidence is currently insufficient to determine the role of this variant in disease. Therefore, it has been classified as a Variant of Uncertain Significance.

NM_016123.4(IRAK4):c.1340T>A (p.Ile447Asn)

Gene: IRAK4 (interleukin 1 receptor associated kinase 4; plus strand). Cytogenetic location: 12q12.
Variant type: single nucleotide variant.
Coding change: c.1340T>A on transcript NM_016123.4 (MANE Select); coding-DNA position 1340, T replaced by A.
Protein change: p.Ile447Asn; replaces isoleucine 447 with asparagine.
Molecular consequence: missense variant.
Genome position (GRCh38, 1-based): chr12:43,786,550, T>A. VCF-style: chr12-43786550-T-A. GRCh37 (hg19) VCF-style: chr12-44180353-T-A.
Other names: c.1340T>A, p.Ile447Asn (NM_001114182.3, NM_001351345.2); c.968T>A, p.Ile323Asn (NM_001145256.2, NM_001145257.2, NM_001145258.2 and 5 more transcripts); c.731T>A, p.Ile244Asn (NM_001351343.2, NM_001351344.2); short protein forms I244N, I323N, I447N.
Identifiers: ClinVar variation 2417335 (VCV002417335.6), dbSNP rs569421834, ClinGen allele CA6522643.